The following continues an entry in ClinVar:

NM_005026.5(PIK3CD):c.3061G>A (p.Glu1021Lys)

Gene: PIK3CD. ClinVar aggregate classification (germline): Pathogenic. Pathogenic (1).

Submissions 19 to 34 of 34:

NIHR Bioresource Rare Diseases, University of Cambridge
Classification: Pathogenic for Inherited Immunodeficiency Diseases. Last evaluated: 2019-01-01. Review status: criteria provided, single submitter. Criteria: ACMG Guidelines, 2015. Collection method: research. Allele origin: germline. Affected: yes. Observed: 1 heterozygote. Not counted in ClinVar's aggregate classification.

Baylor Genetics
Classification: Pathogenic for Immunodeficiency 14. Last evaluated: 2018-11-11. Review status: criteria provided, single submitter. Criteria: ACMG Guidelines, 2015. Collection method: clinical testing. Allele origin: de novo. Affected: yes. Not counted in ClinVar's aggregate classification.
Comment: This variant was determined to be pathogenic according to ACMG Guidelines, 2015 [PMID:25741868].

SIB Swiss Institute of Bioinformatics
Classification: Pathogenic for Activated PI3K-delta syndrome. Last evaluated: 2018-05-31. Review status: criteria provided, single submitter. Criteria: ACMG Guidelines, 2015. Collection method: curation. Allele origin: unknown. Not counted in ClinVar's aggregate classification.
Comment: This variant is interpreted as a Pathogenic, for Activated PI3K-delta syndrome, in Autosomal Dominant manner. The following ACMG Tag(s) were applied: PP3 => Multiple lines of computational evidence support a deleterious effect on the gene or gene product. PP1-Strong => PP1 upgraded in strength to Strong (PMID:24136356,24165795). PM6 => Assumed de novo, but without confirmation of paternity and maternity (PMID:24136356). PM2 => Absent from controls (or at extremely low frequency if recessive) in Exome Sequencing Project, 1000 Genomes Project, or Exome Aggregation Consortium. PS4-Moderate => Observed in multiple unrelated patients and absent from controls (PMID:16984281,24165795,24610295,24136356). PS3 => Well-established functional studies show a deleterious effect (PMID:24136356).

Center of Genomic medicine, Geneva, University Hospital of Geneva
Classification: Pathogenic for Immunodeficiency 14. Last evaluated: 2016-11-21. Review status: criteria provided, single submitter. Criteria: ACMG Guidelines, 2015. Collection method: clinical testing. Allele origin: de novo. Affected: yes. Not counted in ClinVar's aggregate classification.

Center for Pediatric Genomic Medicine, Children's Mercy Hospital and Clinics
Classification: Pathogenic. Last evaluated: 2014-07-01. Review status: criteria provided, single submitter. Criteria: ACMG Guidelines, 2015. Collection method: clinical testing. Allele origin: de novo. Not counted in ClinVar's aggregate classification.

Center for Genomics, Ann and Robert H. Lurie Children's Hospital of Chicago
Classification: Pathogenic for Immunodeficiency 14; Immunodeficiency 14b, autosomal recessive; Combined immunodeficiency with faciooculoskeletal anomalies. Review status: criteria provided, single submitter. Criteria: ACMG Guidelines, 2015. Collection method: clinical testing. Allele origin: germline. Not counted in ClinVar's aggregate classification.
Comment: PIK3CD NM_005026.4 exon 24 p.Glu1021Lys (c.3061G>A): This variant has been well reported in the literature and has been identified in several individuals with Activated Phosphoinositide 3-Kinase Delta Syndrome (APDS), at least two of whom were reported as de novo. This variant has also been reported to segregate with disease in numerous affected family members (Selected publications: Jou 2006 PMID:16984281, Angulo 2013 PMID:24136356, Crank 2014 PMID:24610295, Lucas 2014 PMID:24165795, Hartman 2015 PMID:25352054, Elgizouli 2016 PMID:26437962, Cansever 2020 PMID:31033788). This variant is not present in large control databases. This variant is present in ClinVar, with several labs classifying this variant as pathogenic (Variation ID:88675). Evolutionary conservation and computational predictive tools support that this variant may impact the protein. In vitro functional studies also predict that this variant will impact the protein affecting binding and resulting in a gain of function effect (Angulo 2013 PMID:24136356, Lucas 2014 PMID:24165795). In summary, this variant is classified as pathogenic.

Laboratory of Research in Genomics, Genetics and Bioinformatics, Hospital Infantil de Mexico Federico Gomez
Classification: Pathogenic for Immunodeficiency 14. Last evaluated: 2025-04-08. Review status: no assertion criteria provided. Collection method: research. Allele origin: germline. Affected: yes. Not counted in ClinVar's aggregate classification.

Foundation for Research in Genetics and Endocrinology, FRIGE's Institute of Human Genetics
Classification: Pathogenic for Immunodeficiency 14. Last evaluated: 2017-11-30. Review status: no assertion criteria provided. Collection method: clinical testing. Allele origin: germline. Inheritance: Autosomal dominant inheritance. Affected: yes. Observed: 1 variant allele, 1 heterozygote. Not counted in ClinVar's aggregate classification.
Comment: The observed variant c.3061G>A (p.E1021K) is not reported in 1000 genomes and ExAC databases. The in silico prediction of the variant is disease causing in MutationTaster2 and tolerated in SIFT.

Molecular Genetics Laboratory, BC Children's and BC Women's Hospitals
Classification: Pathogenic for Immunodeficiency 14. Last evaluated: 2016-03-23. Review status: no assertion criteria provided. Criteria: ACMG Guidelines, 2015. Collection method: clinical testing. Allele origin: de novo. Affected: yes. Not counted in ClinVar's aggregate classification.

OMIM
Classification: Pathogenic for IMMUNODEFICIENCY 14A WITH LYMPHOPROLIFERATION, AUTOSOMAL DOMINANT. Last evaluated: 2014-04-01. Review status: no assertion criteria provided. Collection method: literature only. Allele origin: germline. Not counted in ClinVar's aggregate classification.

Department of Medicine, University of Cambridge
Classification: Pathogenic for Activated PI3K-Delta Syndrome (APDS). Last evaluated: 2013-09-10. Review status: no assertion criteria provided. Collection method: research. Allele origin: inherited. Inheritance: Autosomal dominant inheritance. Affected: yes. Observed: 17 variant alleles, 17 heterozygotes. Not counted in ClinVar's aggregate classification.
ClinVar note: Converted during submission from pathogenic to Pathogenic.

Clinical Genetics DNA and cytogenetics Diagnostics Lab, Erasmus MC, Erasmus Medical Center
Classification: Pathogenic. Review status: no assertion criteria provided. Collection method: clinical testing. Allele origin: germline. Affected: yes. Study: VKGL Data-share Consensus. Not counted in ClinVar's aggregate classification.

Diagnostic Laboratory, Department of Genetics, University Medical Center Groningen
Classification: Pathogenic. Review status: no assertion criteria provided. Collection method: clinical testing. Allele origin: germline. Affected: yes. Study: VKGL Data-share Consensus. Not counted in ClinVar's aggregate classification.

Genome Diagnostics Laboratory, Amsterdam University Medical Center
Classification: Pathogenic. Review status: no assertion criteria provided. Collection method: clinical testing. Allele origin: germline. Affected: yes. Study: VKGL Data-share Consensus. Not counted in ClinVar's aggregate classification.

Genome Diagnostics Laboratory, University Medical Center Utrecht
Classification: Pathogenic. Review status: no assertion criteria provided. Collection method: clinical testing. Allele origin: germline. Affected: yes. Study: VKGL Data-share Consensus. Not counted in ClinVar's aggregate classification.

Joint Genome Diagnostic Labs from Nijmegen and Maastricht, Radboudumc and MUMC+
Classification: Pathogenic. Review status: no assertion criteria provided. Collection method: clinical testing. Allele origin: germline. Affected: yes. Study: VKGL Data-share Consensus. Not counted in ClinVar's aggregate classification.

Literature cited by the submitters: PubMed 30194267 (cited by ClinGen Primary Immune Regulatory Disorders Variant Curation Expert Panel, ClinGen); PubMed 32099075 (cited by ClinGen Primary Immune Regulatory Disorders Variant Curation Expert Panel, ClinGen); PubMed 30738173 (cited by ClinGen Primary Immune Regulatory Disorders Variant Curation Expert Panel, ClinGen); PubMed 30018075 (cited by ClinGen Primary Immune Regulatory Disorders Variant Curation Expert Panel, ClinGen); PubMed 24136356 (cited by 7 submitters); PubMed 24165795 (cited by 6 submitters); PubMed 26732860 (cited by Dasa and Labcorp Genetics (formerly Invitae), Labcorp); PubMed 26437962 (cited by Dasa and Labcorp Genetics (formerly Invitae), Labcorp); PubMed 16984281 (cited by 5 submitters); PubMed 25352054 (cited by Dasa and Labcorp Genetics (formerly Invitae), Labcorp); PubMed 24610295 (cited by 4 submitters); PubMed 31045771 (cited by Ambry Genetics); PubMed 33995405 (cited by Ambry Genetics); PubMed 35189965 (cited by Ambry Genetics); PubMed 32581362 (cited by Beijing Key Laboratry for Genetics of Birth Defects, Beijing Children's Hospital).